The following is an entry in ClinVar:

NM_000052.7(ATP7A):c.4124-538A>G

Gene: ATP7A (ATPase copper transporting alpha; plus strand). Cytogenetic location: Xq21.1.
Variant type: single nucleotide variant.
Coding change: c.4124-538A>G on transcript NM_000052.7 (MANE Select); 538 bases into the intron before coding-DNA position 4124, A replaced by G.
Molecular consequence: intron variant.
Genome position (GRCh38, 1-based): chrX:78,044,932, A>G. VCF-style: chrX-78044932-A-G. GRCh37 (hg19) VCF-style: chrX-77300429-A-G.
Other names: c.3890-538A>G (NM_001282224.2).
Identifiers: ClinVar variation 1701703 (VCV001701703.2), dbSNP rs2149113261, ClinGen allele CA2580101997.

ClinVar aggregate classification (germline): Conflicting classifications of pathogenicity. Review status: criteria provided, conflicting classifications (1 of 4 stars). 2 submissions from 2 submitters: Pathogenic (1); Uncertain significance (1). Last evaluated 2025-12-22.

Conditions:
Menkes kinky-hair syndrome (MNK). Also called: Copper transport disease; Classic Menkes Disease; Menkes Disease. Identifiers: Orphanet 565, MedGen C0022716, MONDO:0010651, OMIM 309400.

Submissions (2):

Victorian Clinical Genetics Services, Murdoch Childrens Research Institute
Classification: Pathogenic for Menkes kinky-hair syndrome. Last evaluated: 2025-12-22. Review status: criteria provided, single submitter. Criteria: ACMG Guidelines, 2015. Collection method: clinical testing. Allele origin: germline. Affected: yes.
Comment: This variant is classified as Pathogenic. Evidence in support of pathogenic classification: Variant is absent from gnomAD (v2, v3 and v4); This variant has moderate functional evidence supporting abnormal protein function. Whole cell quantitative proteomics performed on patient fibroblasts did not readily detect ATP7A protein, whilst ATP7A protein was detected in five paediatric controls (MitoMDT Consortium, Victoria, Australia). - Very strong and specific phenotype match for this individual; Additional information: Non-coding variant with predicted effect. While canonical acceptor and donor splice sites are not predicted to be affected, SpliceAI predicts a gain of a cryptic splice site. Personal communication suggests that RNASeq analysis shows abberrant splicing creating a pseudoexon and intronic sequence read-through, however, the RNASeq evidence has not been assessed; This variant is hemizygous; This gene is associated with X-linked disease; Previous evidence of pathogenicity for this variant is inconclusive. This variant has been classified as a VUS by a clinical laboratory in ClinVar. No published evidence of segregation with disease has been identified for this variant; No comparable non-coding variants have previous evidence for pathogenicity; Loss of function is a known mechanism of disease in this gene and is associated with Menkes disease (MIM#309400), and occcipital horn syndrome (MIM#304150). The mechanism of disease for neuronopathy, distal hereditary motor, X-linked (MIM# 300489) is not currently established (PMID: 20301586); Variants in this gene are known to have variable expressivity (PMID: 20301586).

New York Genome Center
Classification: Uncertain significance for Menkes kinky-hair syndrome. Last evaluated: 2021-12-17. Review status: criteria provided, single submitter. Criteria: NYGC Assertion Criteria 2020. Collection method: clinical testing. Allele origin: inherited. Affected: yes. Observed: 1 hemizygote. Study: CSER-NYCKidSeq.
Comment: The hemizygous, maternally inherited c.4124-538A>G variant is a deep intronic variant within intron 21/22 of the ATP7A gene. This variant is absent from gnomAD(v3.1.2) suggesting it is not a common benign variant in populations represented in that database. SpliceAI, predicts this variant to lead to the gain of a donor splice site at this position (Delta score:0.85), which is predicted to lead to abnormal splicing potentially affecting exons 22 and 23 of the ATP7A transcript. While the SpliceAI delta score for this variant is strongly suggestive of a splicing defect, additional studies are needed to confirm an alteration to splicing. This variant is absent from ClinVar and to our current knowledge has not been reported in affected individuals in the literature. The hemizygous, maternally inherited c.4124-538A>G variant identified in the ATP7A gene is reported as a Variant of Uncertain Significance.

Literature cited by the submitters: PubMed 20301586 (cited by Victorian Clinical Genetics Services, Murdoch Childrens Research Institute).